The following is an entry in ClinVar:

ClinVar aggregate classification (germline): Uncertain significance. Review status: criteria provided, multiple submitters, no conflicts (2 of 4 stars). 2 submissions from 2 submitters: Uncertain significance (2). Last evaluated 2025-10-02.

Allele frequency attached by ClinVar (database versions not stated): gnomAD exomes 0.00001; ExAC 0.00002; gnomAD 0.00002; TOPMed 0.00006; 1000 Genomes Project 30x 0.00016; 1000 Genomes Project 0.00020.
gnomAD v4.1: 23 of 1,614,120 alleles (0.0014%); highest among the groups gnomAD compares: Admixed American, 0.032%; no homozygotes.

Submissions (2):

GeneDx
Classification: Uncertain significance. Last evaluated: 2025-10-02. Review status: criteria provided, single submitter. Criteria: GeneDx Variant Classification Process June 2021. Collection method: clinical testing. Allele origin: germline. Affected: yes.
Comment: In silico analysis supports that this missense variant has a deleterious effect on protein structure/function; Has not been previously published as pathogenic or benign to our knowledge

Ambry Genetics
Classification: Uncertain significance. Last evaluated: 2021-07-09. Review status: criteria provided, single submitter. Criteria: Ambry Variant Classification Scheme 2023. Collection method: clinical testing. Allele origin: germline.

NM_001379180.1(ESRRB):c.278G>A (p.Cys93Tyr)

Gene: ESRRB (estrogen related receptor beta; plus strand). Cytogenetic location: 14q24.3.
Variant type: single nucleotide variant.
Coding change: c.278G>A on transcript NM_001379180.1 (MANE Select); coding-DNA position 278, G replaced by A.
Protein change: p.Cys93Tyr; replaces cysteine 93 with tyrosine.
Molecular consequence: missense variant.
Genome position (GRCh38, 1-based): chr14:76,439,568, G>A. VCF-style: chr14-76439568-G-A. GRCh37 (hg19) VCF-style: chr14-76905911-G-A.
Other names: c.230G>A, p.Cys77Tyr (NM_001411038.1); c.215G>A, p.Cys72Tyr (NM_004452.4); short protein forms C77Y, C72Y, C93Y.
Identifiers: ClinVar variation 2395176 (VCV002395176.5), dbSNP rs559643813, ClinGen allele CA7281539.
Genomic context (GRCh38, chr14:76,439,568, plus strand): 5'-ACGCCAACGGTCTGGACTCGCCACCCATGTTTGCAGGCGCCGGGCTGGGAGGCACCCCAT[G>A]CCGCAAGAGCTACGAGGACTGTGCCAGCGGCATCATGGAGGACTCGGCCATCAAGTGCGA-3'
Protein context (NP_001366109.1, residues 83-103): FAGAGLGGTP[Cys93Tyr]RKSYEDCASG